The following is an entry in ClinVar:

NC_000023.10:g.(?_38150626)_(38150757_?)del

Gene: RPGR (retinitis pigmentosa GTPase regulator; minus strand). Cytogenetic location: Xp11.4.
Variant type: Deletion.
Identifiers: ClinVar variation 2422894 (VCV002422894.12).

ClinVar aggregate classification (germline): Pathogenic (1 of 4 stars; one submission).

Conditions:
Primary ciliary dyskinesia. Also called: Ciliary dyskinesia. Identifiers: Orphanet 244, MedGen C0008780, MONDO:0016575, HP:0012265.

Submission:

Labcorp Genetics (formerly Invitae), Labcorp
Classification: Pathogenic for Primary ciliary dyskinesia. Last evaluated: 2022-05-18. Review status: criteria provided, single submitter. Criteria: Invitae Variant Classification Sherloc (09022015). Collection method: clinical testing. Allele origin: germline.
Comment: This variant is a gross deletion of the genomic region encompassing exon(s) 12 of the RPGR gene. This deletion is out-of-frame, and is expected to create a premature termination codon and result in an absent or disrupted protein product. Loss-of-function variants in RPGR are known to be pathogenic (PMID: 16055928, 16969763). This variant has not been reported in the literature in individuals affected with RPGR-related conditions. For these reasons, this variant has been classified as Pathogenic.

Literature cited by the submitters: PubMed 16055928; PubMed 16969763.